The following is an entry in ClinVar:

NM_001048166.1(STIL):c.701+87A>G

Gene: STIL (STIL centriolar assembly protein; minus strand). Cytogenetic location: 1p33.
Variant type: single nucleotide variant.
Coding change: c.701+87A>G on transcript NM_001048166.1 (MANE Select); 87 bases into the intron after coding-DNA position 701, A replaced by G.
Molecular consequence: intron variant.
Genome position (GRCh38, 1-based): chr1:47,299,818, T>C on the plus strand (A>G on the coding strand, the complement: STIL is on the minus strand). VCF-style: chr1-47299818-T-C. GRCh37 (hg19) VCF-style: chr1-47765490-T-C.
Other names: c.701+87A>G (NM_003035.2, NM_001282937.1, NM_001282936.1); c.560+87A>G (NM_001282939.1, NM_001282938.1).
Identifiers: ClinVar variation 670465 (VCV000670465.2), dbSNP rs9436838, ClinGen allele CA10769749.

ClinVar aggregate classification (germline): Benign. Review status: criteria provided, multiple submitters, no conflicts (2 of 4 stars). 2 submissions from 2 submitters: Benign (2). Last evaluated 2018-06-16.

Allele frequency attached by ClinVar (database versions not stated): gnomAD 0.58321 and 0.58968; TOPMed 0.61218; 1000 Genomes Project 0.61362; 1000 Genomes Project 30x 0.62367.
gnomAD v4.1: 711,349 of 1,389,074 alleles (51%); highest among the groups gnomAD compares: African/African-American, 85%; 188,478 homozygotes.

Submissions (2):

GeneDx
Classification: Benign. Last evaluated: 2018-06-16. Review status: criteria provided, single submitter. Criteria: GeneDx Variant Classification (06012015). Collection method: clinical testing. Allele origin: germline. Affected: yes.
Comment: This variant is considered likely benign or benign based on one or more of the following criteria: it is a conservative change, it occurs at a poorly conserved position in the protein, it is predicted to be benign by multiple in silico algorithms, and/or has population frequency not consistent with disease.

Breakthrough Genomics
Classification: Benign. Review status: criteria provided, single submitter. Criteria: ACMG Guidelines, 2015. Collection method: not provided. Allele origin: germline. Inheritance: Autosomal recessive inheritance. Affected: yes.